The following is an entry in ClinVar:

NM_015991.4(C1QA):c.91G>A (p.Gly31Arg)

Gene: C1QA (complement C1q A chain; plus strand). Cytogenetic location: 1p36.12.
Variant type: single nucleotide variant.
Coding change: c.91G>A on transcript NM_015991.4 (MANE Select); coding-DNA position 91, G replaced by A.
Protein change: p.Gly31Arg; replaces glycine 31 with arginine.
Molecular consequence: missense variant.
Genome position (GRCh38, 1-based): chr1:22,637,707, G>A. VCF-style: chr1-22637707-G-A. GRCh37 (hg19) VCF-style: chr1-22964200-G-A.
Other names: c.91G>A, p.Gly31Arg (NM_001347465.2, NM_001347466.2); short protein forms G31R.
Identifiers: ClinVar variation 2202727 (VCV002202727.2), dbSNP rs369062665, ClinGen allele CA677714.

ClinVar aggregate classification (germline): Uncertain significance. Review status: criteria provided, multiple submitters, no conflicts (2 of 4 stars). 2 submissions from 2 submitters: Uncertain significance (2). Last evaluated 2023-10-27.

Allele frequency attached by ClinVar (database versions not stated): ExAC 0.00001; gnomAD 0.00001; gnomAD exomes 0.00001; TOPMed 0.00001; ESP Exome Variant Server 0.00008.

Submissions (2):

Blueprint Genetics
Classification: Uncertain significance. Last evaluated: 2023-10-27. Review status: criteria provided, single submitter. Criteria: ACMG Guidelines, 2015. Collection method: clinical testing. Allele origin: germline.

Labcorp Genetics (formerly Invitae), Labcorp
Classification: Uncertain significance. Last evaluated: 2022-06-23. Review status: criteria provided, single submitter. Criteria: Invitae Variant Classification Sherloc (09022015). Collection method: clinical testing. Allele origin: germline.
Comment: This sequence change replaces glycine, which is neutral and non-polar, with arginine, which is basic and polar, at codon 31 of the C1QA protein (p.Gly31Arg). This variant is present in population databases (rs369062665, gnomAD 0.0009%). This missense change has been observed in individual(s) with C1q deficiency (PMID: 22576477). Algorithms developed to predict the effect of missense changes on protein structure and function are either unavailable or do not agree on the potential impact of this missense change (SIFT: "Deleterious"; PolyPhen-2: "Probably Damaging"; Align-GVGD: "Class C0"). In summary, the available evidence is currently insufficient to determine the role of this variant in disease. Therefore, it has been classified as a Variant of Uncertain Significance.

Literature cited by the submitters: PubMed 22576477 (cited by Labcorp Genetics (formerly Invitae), Labcorp).